The following is an entry in ClinVar:

ClinVar aggregate classification (germline): Uncertain significance (1 of 4 stars; one submission).

Conditions:
Spastic paraplegia. Identifiers: MedGen C0037772, HP:0001258.

Allele frequency attached by ClinVar (database versions not stated): gnomAD 0.00001; gnomAD exomes 0.00001.
gnomAD v4.1: 5 of 1,582,162 alleles (0.00032%); highest among the groups gnomAD compares: South Asian, 0.0011%; no homozygotes.

Submission:

Labcorp Genetics (formerly Invitae), Labcorp
Classification: Uncertain significance for Spastic paraplegia. Last evaluated: 2024-10-17. Review status: criteria provided, single submitter. Criteria: Invitae Variant Classification Sherloc (09022015). Collection method: clinical testing. Allele origin: germline.
Comment: This sequence change replaces lysine, which is basic and polar, with glutamic acid, which is acidic and polar, at codon 551 of the HSPD1 protein (p.Lys551Glu). This variant is not present in population databases (gnomAD no frequency). This variant has not been reported in the literature in individuals affected with HSPD1-related conditions. ClinVar contains an entry for this variant (Variation ID: 1972246). Invitae Evidence Modeling of protein sequence and biophysical properties (such as structural, functional, and spatial information, amino acid conservation, physicochemical variation, residue mobility, and thermodynamic stability) indicates that this missense variant is not expected to disrupt HSPD1 protein function with a negative predictive value of 80%. In summary, the available evidence is currently insufficient to determine the role of this variant in disease. Therefore, it has been classified as a Variant of Uncertain Significance.

NM_002156.5(HSPD1):c.1651A>G (p.Lys551Glu)

Gene: HSPD1 (heat shock protein family D (Hsp60) member 1; minus strand). Cytogenetic location: 2q33.1.
Variant type: single nucleotide variant.
Coding change: c.1651A>G on transcript NM_002156.5 (MANE Select); coding-DNA position 1651, A replaced by G.
Protein change: p.Lys551Glu; replaces lysine 551 with glutamic acid.
Molecular consequence: missense variant.
Genome position (GRCh38, 1-based): chr2:197,487,117, T>C on the plus strand (A>G on the coding strand, the complement: HSPD1 is on the minus strand). VCF-style: chr2-197487117-T-C. GRCh37 (hg19) VCF-style: chr2-198351841-T-C.
Other names: c.1651A>G, p.Lys551Glu (NM_199440.2); short protein forms K551E.
Identifiers: ClinVar variation 1972246 (VCV001972246.5), dbSNP rs2086036147, ClinGen allele CA350197454.